The following is an entry in ClinVar:

ClinVar aggregate classification (germline): Likely benign. Review status: criteria provided, multiple submitters, no conflicts (2 of 4 stars). 6 submissions from 6 submitters: Likely benign (6). Last evaluated 2025-08-18.

Conditions:
Marfan syndrome (MFS). Also called: MARFAN SYNDROME, TYPE I; Marfan syndrome type 1; Marfan's syndrome; Marfan syndrome, classic; FBN1-Related Marfan Syndrome. Identifiers: Orphanet 284963, Orphanet 558, MedGen C0024796, MONDO:0007947, OMIM 154700.
Familial thoracic aortic aneurysm and aortic dissection (TAAD). Also called: Thoracic aortic aneurysms and dissections. Identifiers: Orphanet 91387, MedGen C4707243, MONDO:0019625.

Allele frequency attached by ClinVar (database versions not stated): TOPMed 0.00004; gnomAD exomes 0.00001 and 0.00002; gnomAD 0.00002; ExAC 0.00003; ESP Exome Variant Server 0.00015.

Submissions (6):

Labcorp Genetics (formerly Invitae), Labcorp
Classification: Likely benign for Marfan syndrome; Familial thoracic aortic aneurysm and aortic dissection. Last evaluated: 2025-08-18. Review status: criteria provided, single submitter. Criteria: Invitae Variant Classification Sherloc (09022015). Collection method: clinical testing. Allele origin: germline.

Women's Health and Genetics/Laboratory Corporation of America, LabCorp
Classification: Likely benign. Last evaluated: 2024-07-08. Review status: criteria provided, single submitter. Criteria: LabCorp Variant Classification Summary - May 2015. Collection method: clinical testing. Allele origin: germline.

All of Us Research Program, National Institutes of Health
Classification: Likely benign for Marfan syndrome. Last evaluated: 2023-10-02. Review status: criteria provided, single submitter. Criteria: ACMG Guidelines, 2015. Collection method: clinical testing. Allele origin: germline. Inheritance: Autosomal dominant inheritance. Observed: 4 variant alleles, 4 heterozygotes.
Comment: This study involves interpretation of variants in research participants for the purpose of population health screening. Participant phenotype was not available at the time of variant classification. Additional details can be found in publication PMID: 35346344, PMCID: PMC8962531

Color Diagnostics, LLC DBA Color Health
Classification: Likely benign for Familial thoracic aortic aneurysm and aortic dissection. Last evaluated: 2022-11-06. Review status: criteria provided, single submitter. Criteria: ACMG Guidelines, 2015. Collection method: clinical testing. Allele origin: germline.

Ambry Genetics
Classification: Likely benign for Familial thoracic aortic aneurysm and aortic dissection. Last evaluated: 2022-05-27. Review status: criteria provided, single submitter. Criteria: Ambry Variant Classification Scheme 2023. Collection method: clinical testing. Allele origin: germline.

GeneDx
Classification: Likely benign. Last evaluated: 2020-11-05. Review status: criteria provided, single submitter. Criteria: GeneDx Variant Classification Process June 2021. Collection method: clinical testing. Allele origin: germline. Affected: yes.

NM_000138.5(FBN1):c.19C>T (p.Leu7=)

Gene: FBN1 (fibrillin 1; minus strand). Cytogenetic location: 15q21.1.
Variant type: single nucleotide variant.
Coding change: c.19C>T on transcript NM_000138.5 (MANE Select); coding-DNA position 19, C replaced by T.
Protein change: p.Leu7=; no amino-acid change (leucine 7 retained).
Molecular consequence: synonymous variant.
Genome position (GRCh38, 1-based): chr15:48,644,751, G>A on the plus strand (C>T on the coding strand, the complement: FBN1 is on the minus strand). VCF-style: chr15-48644751-G-A. GRCh37 (hg19) VCF-style: chr15-48936948-G-A.
Identifiers: ClinVar variation 1252119 (VCV001252119.12), dbSNP rs139161583, ClinGen allele CA046583.